The following is an entry in ClinVar:

ClinVar aggregate classification (germline): Pathogenic/Likely pathogenic. Review status: criteria provided, multiple submitters, no conflicts (2 of 4 stars). 2 submissions from 2 submitters: Pathogenic (1); Likely pathogenic (1). Last evaluated 2024-11-18.

Conditions:
Cohen syndrome (COH1). Also called: PEPPER SYNDROME; Cutis verticis gyrata, retinitis pigmentosa, and sensorineural deafness. Identifiers: Orphanet 193, MedGen C0265223, MONDO:0008999, OMIM 216550.

Allele frequency attached by ClinVar (database versions not stated): gnomAD exomes below 0.00001.

Submissions (2):

Natera, Inc.
Classification: Likely pathogenic for Cohen syndrome. Last evaluated: 2024-11-18. Review status: criteria provided, single submitter. Criteria: Natera Variant Classification Schema (03/2026). Collection method: clinical testing. Allele origin: germline.
Comment: The c.1366del variant in VPS13B is a frameshift variant predicted to shift the reading frame beginning at codon 456 and leads to a stop codon 15 codons downstream. This variant is expected to result in nonsense mediated decay, truncation, or a dysfunctional protein product. This variant is rare in the general population with a frequency below the threshold expected for the associated phenotype(s). Given the available evidence, this variant is classified as Likely Pathogenic.

Labcorp Genetics (formerly Invitae), Labcorp
Classification: Pathogenic for Cohen syndrome. Last evaluated: 2020-07-02. Review status: criteria provided, single submitter. Criteria: Invitae Variant Classification Sherloc (09022015). Collection method: clinical testing. Allele origin: germline.
Comment: This sequence change creates a premature translational stop signal (p.Cys456Alafs*15) in the VPS13B gene. It is expected to result in an absent or disrupted protein product. This variant is not present in population databases (ExAC no frequency). For these reasons, this variant has been classified as Pathogenic. Loss-of-function variants in VPS13B are known to be pathogenic (PMID: 15141358, 16648375, 20461111). This variant has not been reported in the literature in individuals with VPS13B-related conditions.

Literature cited by the submitters: PubMed 15141358 (cited by Labcorp Genetics (formerly Invitae), Labcorp); PubMed 16648375 (cited by Labcorp Genetics (formerly Invitae), Labcorp); PubMed 20461111 (cited by Labcorp Genetics (formerly Invitae), Labcorp).

NM_152564.5(VPS13B):c.1366del (p.Cys456fs)

Gene: VPS13B (vacuolar protein sorting 13 homolog B; plus strand). Cytogenetic location: 8q22.2.
Variant type: Deletion.
Coding change: c.1366del on transcript NM_152564.5 (MANE Select); coding-DNA position 1366, one base deleted (T; older notation c.1366delT).
Protein change: p.Cys456fs; shifts the reading frame from cysteine 456.
Molecular consequence: frameshift variant.
Genome position (GRCh38, 1-based): chr8:99,135,078, T deleted. VCF-style (leftmost placement, unchanged base first): chr8-99135077-GT-G. GRCh37 (hg19) VCF-style: chr8-100147305-GT-G.
Other names: c.1366del, p.Cys456fs (NM_015243.3, NM_017890.5); c.1366del (NM_017890.4); short protein forms C456fs.
Identifiers: ClinVar variation 1070957 (VCV001070957.8), dbSNP rs2132555225, ClinGen allele CA2499219456.